The following is an entry in ClinVar:

ClinVar aggregate classification (germline): Likely benign (1 of 4 stars; one submission).

gnomAD v4.1: 1 of 1,579,546 alleles (0.000063%); highest among the groups gnomAD compares: Middle Eastern, 0.017%; no homozygotes.

Submission:

CeGaT Center for Human Genetics Tuebingen
Classification: Likely benign. Last evaluated: 2023-12-01. Review status: criteria provided, single submitter. Criteria: CeGaT Center For Human Genetics Tuebingen Variant Classification Criteria Version 2. Collection method: clinical testing. Allele origin: germline. Affected: yes. Observed: 1 variant allele.
Comment: MYH14: PM2:Supporting, BP4, BP7

NM_001145809.2(MYH14):c.204G>C (p.Ala68=)

Gene: MYH14 (myosin heavy chain 14; plus strand). Cytogenetic location: 19q13.33.
Variant type: single nucleotide variant.
Coding change: c.204G>C on transcript NM_001145809.2 (MANE Select); coding-DNA position 204, G replaced by C.
Protein change: p.Ala68=; no amino-acid change (alanine 68 retained).
Molecular consequence: synonymous variant.
Genome position (GRCh38, 1-based): chr19:50,210,569, G>C. VCF-style: chr19-50210569-G-C. GRCh37 (hg19) VCF-style: chr19-50713826-G-C.
Other names: c.204G>C, p.Ala68= (NM_001077186.2, NM_024729.4).
Identifiers: ClinVar variation 3026476 (VCV003026476.22), dbSNP rs780560401, ClinGen allele CA508302583.